The following is an entry in ClinVar:

NM_000426.4(LAMA2):c.2897C>T (p.Pro966Leu)

Gene: LAMA2 (laminin subunit alpha 2; plus strand). Cytogenetic location: 6q22.33.
Variant type: single nucleotide variant.
Coding change: c.2897C>T on transcript NM_000426.4 (MANE Select); coding-DNA position 2897, C replaced by T.
Protein change: p.Pro966Leu; replaces proline 966 with leucine.
Molecular consequence: missense variant.
Genome position (GRCh38, 1-based): chr6:129,297,725, C>T. VCF-style: chr6-129297725-C-T. GRCh37 (hg19) VCF-style: chr6-129618870-C-T.
Other names: c.2897C>T, p.Pro966Leu (NM_001079823.2); short protein forms P966L.
Identifiers: ClinVar variation 1204844 (VCV001204844.8), dbSNP rs774276037, ClinGen allele CA3993106.

ClinVar aggregate classification (germline): Uncertain significance. Review status: criteria provided, multiple submitters, no conflicts (2 of 4 stars). 3 submissions from 3 submitters: Uncertain significance (3). Last evaluated 2026-10-21.

Conditions:
LAMA2-related muscular dystrophy (LAMA2-RD). Also called: Laminin alpha 2-related dystrophy. Identifiers: MedGen C5679788, MONDO:0100228.

Allele frequency attached by ClinVar (database versions not stated): TOPMed 0.00001; ExAC 0.00002; gnomAD 0.00001; gnomAD exomes 0.00002.
gnomAD v4.1: 30 of 1,613,954 alleles (0.0019%); highest among the groups gnomAD compares: Non-Finnish European, 0.0024%; no homozygotes.

Submissions (3):

GeneDx
Classification: Uncertain significance. Last evaluated: 2026-10-21. Review status: criteria provided, single submitter. Criteria: GeneDx Variant Classification Process June 2021. Collection method: clinical testing. Allele origin: germline.
Comment: Not observed at significant frequency in large population cohorts (gnomAD); In silico analysis supports that this missense variant has a deleterious effect on protein structure/function; Has not been previously published as pathogenic or benign to our knowledge

Revvity Omics, Revvity
Classification: Uncertain significance. Last evaluated: 2023-03-01. Review status: criteria provided, single submitter. Criteria: ACMG Guidelines, 2015. Collection method: clinical testing. Allele origin: germline.

Labcorp Genetics (formerly Invitae), Labcorp
Classification: Uncertain significance for LAMA2-related muscular dystrophy. Last evaluated: 2022-07-25. Review status: criteria provided, single submitter. Criteria: Invitae Variant Classification Sherloc (09022015). Collection method: clinical testing. Allele origin: germline.
Comment: This sequence change replaces proline, which is neutral and non-polar, with leucine, which is neutral and non-polar, at codon 966 of the LAMA2 protein (p.Pro966Leu). This variant is present in population databases (rs774276037, gnomAD 0.004%). This variant has not been reported in the literature in individuals affected with LAMA2-related conditions. ClinVar contains an entry for this variant (Variation ID: 1204844). Advanced modeling of protein sequence and biophysical properties (such as structural, functional, and spatial information, amino acid conservation, physicochemical variation, residue mobility, and thermodynamic stability) performed at Invitae indicates that this missense variant is not expected to disrupt LAMA2 protein function. In summary, the available evidence is currently insufficient to determine the role of this variant in disease. Therefore, it has been classified as a Variant of Uncertain Significance.